The following is an entry in ClinVar:

NM_001001957.2(OR2W3):c.466T>C (p.Ser156Pro)

Gene: OR2W3 (olfactory receptor family 2 subfamily W member 3; plus strand). Cytogenetic location: 1q44.
Variant type: single nucleotide variant.
Coding change: c.466T>C on transcript NM_001001957.2 (MANE Select); coding-DNA position 466, T replaced by C.
Protein change: p.Ser156Pro; replaces serine 156 with proline.
Molecular consequence: missense variant.
Genome position (GRCh38, 1-based): chr1:247,896,052, T>C. VCF-style: chr1-247896052-T-C. GRCh37 (hg19) VCF-style: chr1-248059354-T-C.
Other names: short protein forms S156P.
Identifiers: ClinVar variation 3630904 (VCV003630904.2).

ClinVar aggregate classification (germline): Uncertain significance (1 of 4 stars; one submission).

gnomAD v4.1: 1 of 1,474,256 alleles (0.000068%); highest among the groups gnomAD compares: Non-Finnish European, 0.000094%; no homozygotes.

Submission:

Labcorp Genetics (formerly Invitae), Labcorp
Classification: Uncertain significance. Last evaluated: 2024-02-04. Review status: criteria provided, single submitter. Criteria: Invitae Variant Classification Sherloc (09022015). Collection method: clinical testing. Allele origin: germline.
Comment: This sequence change replaces serine, which is neutral and polar, with proline, which is neutral and non-polar, at codon 156 of the OR2W3 protein (p.Ser156Pro). This variant is not present in population databases (gnomAD no frequency). This variant has not been reported in the literature in individuals affected with OR2W3-related conditions. An algorithm developed to predict the effect of missense changes on protein structure and function (PolyPhen-2) suggests that this variant is likely to be disruptive. In summary, the available evidence is currently insufficient to determine the role of this variant in disease. Therefore, it has been classified as a Variant of Uncertain Significance.